The following is an entry in ClinVar:

NM_014946.4(SPAST):c.1281T>G (p.Phe427Leu)

Gene: SPAST (spastin; plus strand). Cytogenetic location: 2p22.3.
Variant type: single nucleotide variant.
Coding change: c.1281T>G on transcript NM_014946.4 (MANE Select); coding-DNA position 1281, T replaced by G.
Protein change: p.Phe427Leu; replaces phenylalanine 427 with leucine.
Molecular consequence: missense variant.
Genome position (GRCh38, 1-based): chr2:32,136,598, T>G. VCF-style: chr2-32136598-T-G. GRCh37 (hg19) VCF-style: chr2-32361667-T-G.
Other names: c.1278T>G, p.Phe426Leu (NM_001363823.2); c.1182T>G, p.Phe394Leu (NM_001363875.2); c.1185T>G, p.Phe395Leu (NM_001377959.1, NM_199436.2); short protein forms F394L, F395L, F427L, F426L.
Identifiers: ClinVar variation 2811936 (VCV002811936.3), dbSNP rs2465883071, ClinGen allele CA346502059.

ClinVar aggregate classification (germline): Uncertain significance (1 of 4 stars; one submission).

Conditions:
Hereditary spastic paraplegia 4. Also called: Spastic Paraplegia 4; Familial spastic paraplegia autosomal dominant 2; Spastic paraplegia 4, autosomal dominant. Identifiers: Orphanet 100985, MedGen C1866855, MONDO:0008438, OMIM 182601.

Submission:

Labcorp Genetics (formerly Invitae), Labcorp
Classification: Uncertain significance for Hereditary spastic paraplegia 4. Last evaluated: 2022-11-04. Review status: criteria provided, single submitter. Criteria: Invitae Variant Classification Sherloc (09022015). Collection method: clinical testing. Allele origin: germline.
Comment: In summary, the available evidence is currently insufficient to determine the role of this variant in disease. Therefore, it has been classified as a Variant of Uncertain Significance. Advanced modeling of protein sequence and biophysical properties (such as structural, functional, and spatial information, amino acid conservation, physicochemical variation, residue mobility, and thermodynamic stability) performed at Invitae indicates that this missense variant is expected to disrupt SPAST protein function. This variant has not been reported in the literature in individuals affected with SPAST-related conditions. This variant is not present in population databases (gnomAD no frequency). This sequence change replaces phenylalanine, which is neutral and non-polar, with leucine, which is neutral and non-polar, at codon 427 of the SPAST protein (p.Phe427Leu).